The following is an entry in ClinVar:

ClinVar aggregate classification (germline): Uncertain significance (1 of 4 stars; one submission).

Submission:

GeneDx
Classification: Uncertain significance. Last evaluated: 2025-05-08. Review status: criteria provided, single submitter. Criteria: GeneDx Variant Classification Process June 2021. Collection method: clinical testing. Allele origin: germline. Affected: yes.
Comment: Not observed at significant frequency in large population cohorts (gnomAD); In silico analysis supports that this missense variant has a deleterious effect on protein structure/function; Has not been previously published as pathogenic or benign to our knowledge

NM_001220.5(CAMK2B):c.442T>C (p.Cys148Arg)

Gene: CAMK2B (calcium/calmodulin dependent protein kinase II beta; minus strand). Cytogenetic location: 7p13.
Variant type: single nucleotide variant.
Coding change: c.442T>C on transcript NM_001220.5 (MANE Select); coding-DNA position 442, T replaced by C.
Protein change: p.Cys148Arg; replaces cysteine 148 with arginine.
Molecular consequence: missense variant.
Genome position (GRCh38, 1-based): chr7:44,243,500, A>G on the plus strand (T>C on the coding strand, the complement: CAMK2B is on the minus strand). VCF-style: chr7-44243500-A-G. GRCh37 (hg19) VCF-style: chr7-44283099-A-G.
Other names: c.442T>C, p.Cys148Arg (NM_001293170.2, NM_172078.3, NM_172079.3 and 5 more transcripts); short protein forms C148R.
Identifiers: ClinVar variation 4528135 (VCV004528135.1).